The following is an entry in ClinVar:

NM_000070.3(CAPN3):c.1997T>C (p.Met666Thr)

Gene: CAPN3 (calpain 3; plus strand). Cytogenetic location: 15q15.1.
Variant type: single nucleotide variant.
Coding change: c.1997T>C on transcript NM_000070.3 (MANE Select); coding-DNA position 1997, T replaced by C.
Protein change: p.Met666Thr; replaces methionine 666 with threonine.
Molecular consequence: missense variant. On other transcripts: initiator codon variant (2).
Genome position (GRCh38, 1-based): chr15:42,409,791, T>C. VCF-style: chr15-42409791-T-C. GRCh37 (hg19) VCF-style: chr15-42701989-T-C.
Other names: c.1979T>C, p.Met660Thr (NM_024344.2); c.1721T>C, p.Met574Thr (NM_173087.2); c.461T>C, p.Met154Thr (NM_173088.2); c.2T>C, p.Met1Thr (NM_173089.2, NM_173090.2); c.*1095T>C (NM_212464.2); c.*1672T>C (NM_212467.2); short protein forms M1T, M574T, M154T, M666T, M660T.
Identifiers: ClinVar variation 2149491 (VCV002149491.4), dbSNP rs1261674189, ClinGen allele CA392001325.

ClinVar aggregate classification (germline): Uncertain significance (1 of 4 stars; one submission).

Conditions:
Autosomal recessive limb-girdle muscular dystrophy type 2A (LGMDR1). Also called: Limb-girdle muscular dystrophy, type 2A; Calpainopathy; LEYDEN-MOEBIUS MUSCULAR DYSTROPHY; MUSCULAR DYSTROPHY, PELVOFEMORAL; Muscular dystrophy, limb-girdle, type 2A, Amish. Identifiers: Orphanet 267, MedGen C1869123, MONDO:0009675, OMIM 253600. Disease mechanism: loss of function.

Allele frequency attached by ClinVar (database versions not stated): gnomAD 0.00001.
gnomAD v4.1: 4 of 1,601,712 alleles (0.00025%); highest among the groups gnomAD compares: Non-Finnish European, 0.00025%; no homozygotes.

Submission:

Labcorp Genetics (formerly Invitae), Labcorp
Classification: Uncertain significance for Autosomal recessive limb-girdle muscular dystrophy type 2A. Last evaluated: 2024-11-06. Review status: criteria provided, single submitter. Criteria: Invitae Variant Classification Sherloc (09022015). Collection method: clinical testing. Allele origin: germline.
Comment: This sequence change replaces methionine, which is neutral and non-polar, with threonine, which is neutral and polar, at codon 666 of the CAPN3 protein (p.Met666Thr). The frequency data for this variant in the population databases is considered unreliable, as metrics indicate poor data quality at this position in the gnomAD database. This variant has not been reported in the literature in individuals affected with CAPN3-related conditions. ClinVar contains an entry for this variant (Variation ID: 2149491). Invitae Evidence Modeling of protein sequence and biophysical properties (such as structural, functional, and spatial information, amino acid conservation, physicochemical variation, residue mobility, and thermodynamic stability) indicates that this missense variant is not expected to disrupt CAPN3 protein function with a negative predictive value of 80%. In summary, the available evidence is currently insufficient to determine the role of this variant in disease. Therefore, it has been classified as a Variant of Uncertain Significance.